The following is an entry in ClinVar:

NM_001013838.3(CARMIL2):c.2659G>A (p.Ala887Thr)

Gene: CARMIL2 (capping protein regulator and myosin 1 linker 2; plus strand). Cytogenetic location: 16q22.1.
Variant type: single nucleotide variant.
Coding change: c.2659G>A on transcript NM_001013838.3 (MANE Select); coding-DNA position 2659, G replaced by A.
Protein change: p.Ala887Thr; replaces alanine 887 with threonine.
Molecular consequence: missense variant.
Genome position (GRCh38, 1-based): chr16:67,651,991, G>A. VCF-style: chr16-67651991-G-A. GRCh37 (hg19) VCF-style: chr16-67685894-G-A.
Other names: c.2551G>A, p.Ala851Thr (NM_001317026.3); short protein forms A851T, A887T.
Identifiers: ClinVar variation 1006305 (VCV001006305.10), dbSNP rs200929262, ClinGen allele CA8113846.

ClinVar aggregate classification (germline): Uncertain significance. Review status: criteria provided, multiple submitters, no conflicts (2 of 4 stars). 3 submissions from 3 submitters: Uncertain significance (3). Last evaluated 2025-01-21.

Conditions:
Severe combined immunodeficiency due to CARMIL2 deficiency. Also called: IMMUNODEFICIENCY 58. Identifiers: Orphanet 542301, MedGen C4748304, MONDO:0029134, OMIM 618131.

Allele frequency attached by ClinVar (database versions not stated): gnomAD 0.00006 and 0.00008; TOPMed 0.00009; 1000 Genomes Project 30x 0.00016; ExAC 0.00016; 1000 Genomes Project 0.00020.

Submissions (3):

Labcorp Genetics (formerly Invitae), Labcorp
Classification: Uncertain significance. Last evaluated: 2025-01-21. Review status: criteria provided, single submitter. Criteria: Invitae Variant Classification Sherloc (09022015). Collection method: clinical testing. Allele origin: germline.
Comment: This sequence change replaces alanine, which is neutral and non-polar, with threonine, which is neutral and polar, at codon 887 of the CARMIL2 protein (p.Ala887Thr). This variant is present in population databases (rs200929262, gnomAD 0.08%). This variant has not been reported in the literature in individuals affected with CARMIL2-related conditions. ClinVar contains an entry for this variant (Variation ID: 1006305). Invitae Evidence Modeling of protein sequence and biophysical properties (such as structural, functional, and spatial information, amino acid conservation, physicochemical variation, residue mobility, and thermodynamic stability) indicates that this missense variant is not expected to disrupt CARMIL2 protein function with a negative predictive value of 80%. In summary, the available evidence is currently insufficient to determine the role of this variant in disease. Therefore, it has been classified as a Variant of Uncertain Significance.

Blueprint Genetics
Classification: Uncertain significance. Last evaluated: 2023-12-22. Review status: criteria provided, single submitter. Criteria: ACMG Guidelines, 2015. Collection method: clinical testing. Allele origin: germline.

Department of Pathology and Laboratory Medicine, Sinai Health System
Classification: Uncertain significance for Severe combined immunodeficiency due to CARMIL2 deficiency. Last evaluated: 2021-01-27. Review status: criteria provided, single submitter. Criteria: ACMG Guidelines, 2015. Collection method: research. Allele origin: germline.